The following is an entry in ClinVar:

NM_006846.4(SPINK5):c.2472del (p.Glu825fs)

Gene: SPINK5 (serine peptidase inhibitor Kazal type 5; plus strand). Cytogenetic location: 5q32.
Variant type: Deletion.
Coding change: c.2472del on transcript NM_006846.4 (MANE Select); coding-DNA position 2472, one base deleted (A; older notation c.2472delA).
Protein change: p.Glu825fs; shifts the reading frame from glutamic acid 825.
Molecular consequence: frameshift variant.
Genome position (GRCh38, 1-based): chr5:148,120,325, A deleted; the last of 3 consecutive A bases (chr5:148,120,323-148,120,325); deleting any one gives the same sequence. VCF-style (leftmost placement, unchanged base first): chr5-148120322-GA-G. GRCh37 (hg19) VCF-style: chr5-147499885-GA-G.
Other names: c.2472del, p.Glu825fs (NM_001127698.2, NM_001127699.2); short protein forms E825fs.
Identifiers: ClinVar variation 1376783 (VCV001376783.6), dbSNP rs2113195147, ClinGen allele CA2573139243.
Genomic context (GRCh38, chr5:148,120,322, plus strand): 5'-TTTGATTGAAATGTTTCATTGTTTTCCCCCCAGGGAAAGGGAAGCAGCTGAAAAAAAAAA[GA>G]AAGAGGATGAAGACAGGAGCAATACAGGAGAAAGGAGCAATACAGGAGAAAGGAGCAATG-3'

ClinVar aggregate classification (germline): Pathogenic (1 of 4 stars; one submission).

Conditions:
Ichthyosis linearis circumflexa. Identifiers: MedGen C0265962, MONDO:0043106, HP:0025810.

Submission:

Labcorp Genetics (formerly Invitae), Labcorp
Classification: Pathogenic for Ichthyosis linearis circumflexa. Last evaluated: 2021-11-05. Review status: criteria provided, single submitter. Criteria: Invitae Variant Classification Sherloc (09022015). Collection method: clinical testing. Allele origin: germline.
Comment: For these reasons, this variant has been classified as Pathogenic. This variant has not been reported in the literature in individuals affected with SPINK5-related conditions. This variant is not present in population databases (gnomAD no frequency). This sequence change creates a premature translational stop signal (p.Glu825Argfs*99) in the SPINK5 gene. It is expected to result in an absent or disrupted protein product. Loss-of-function variants in SPINK5 are known to be pathogenic (PMID: 11511292, 11841556).

Literature cited by the submitters: PubMed 11511292; PubMed 11841556.